The following is an entry in ClinVar:

NM_001184880.2(PCDH19):c.1030C>G (p.Pro344Ala)

Gene: PCDH19 (protocadherin 19; minus strand). Cytogenetic location: Xq22.1.
Variant type: single nucleotide variant.
Coding change: c.1030C>G on transcript NM_001184880.2 (MANE Select); coding-DNA position 1030, C replaced by G.
Protein change: p.Pro344Ala; replaces proline 344 with alanine.
Molecular consequence: missense variant.
Genome position (GRCh38, 1-based): chrX:100,407,568, G>C on the plus strand (C>G on the coding strand, the complement: PCDH19 is on the minus strand). VCF-style: chrX-100407568-G-C. GRCh37 (hg19) VCF-style: chrX-99662566-G-C.
Other names: c.1030C>G, p.Pro344Ala (NM_001105243.2, NM_020766.3); short protein forms P344A.
Identifiers: ClinVar variation 1948906 (VCV001948906.5), dbSNP rs2520986912, ClinGen allele CA414004656.

ClinVar aggregate classification (germline): Likely pathogenic (1 of 4 stars; one submission).

Conditions:
Developmental and epileptic encephalopathy, 9 (DEE9). Also called: Early infantile epileptic encephalopathy 9; JUBERG-HELLMAN SYNDROME; PCDH19-Related X-Linked Female-Limited Epilepsy with Mental Retardation; EPILEPSY, FEMALE-RESTRICTED, WITH MENTAL RETARDATION. Identifiers: Orphanet 101039, Orphanet 2076, MedGen C1848137, MONDO:0010246, OMIM 300088. Disease mechanism: loss of function.

Submission:

Labcorp Genetics (formerly Invitae), Labcorp
Classification: Likely pathogenic for Developmental and epileptic encephalopathy, 9. Last evaluated: 2022-01-16. Review status: criteria provided, single submitter. Criteria: Invitae Variant Classification Sherloc (09022015). Collection method: clinical testing. Allele origin: germline.
Comment: This variant is not present in population databases (gnomAD no frequency). This sequence change replaces proline, which is neutral and non-polar, with alanine, which is neutral and non-polar, at codon 344 of the PCDH19 protein (p.Pro344Ala). This variant has not been reported in the literature in individuals affected with PCDH19-related conditions. In summary, the currently available evidence indicates that the variant is pathogenic, but additional data are needed to prove that conclusively. Therefore, this variant has been classified as Likely Pathogenic. This variant disrupts the p.Pro344 amino acid residue in PCDH19. Other variant(s) that disrupt this residue have been determined to be pathogenic (PMID: 23334464). This suggests that this residue is clinically significant, and that variants that disrupt this residue are likely to be disease-causing. Advanced modeling of protein sequence and biophysical properties (such as structural, functional, and spatial information, amino acid conservation, physicochemical variation, residue mobility, and thermodynamic stability) performed at Invitae indicates that this missense variant is expected to disrupt PCDH19 protein function.

Literature cited by the submitters: PubMed 23334464.